The following is an entry in ClinVar:

NM_001142800.2(EYS):c.2923T>C (p.Cys975Arg)

Gene: EYS (EGF-like photoreceptor maintenance factor; minus strand). Cytogenetic location: 6q12.
Variant type: single nucleotide variant.
Coding change: c.2923T>C on transcript NM_001142800.2 (MANE Select); coding-DNA position 2923, T replaced by C.
Protein change: p.Cys975Arg; replaces cysteine 975 with arginine.
Molecular consequence: missense variant.
Genome position (GRCh38, 1-based): chr6:64,886,766, A>G on the plus strand (T>C on the coding strand, the complement: EYS is on the minus strand). VCF-style: chr6-64886766-A-G. GRCh37 (hg19) VCF-style: chr6-65596659-A-G.
Other names: c.2923T>C, p.Cys975Arg (NM_001292009.2); short protein forms C975R.
Identifiers: ClinVar variation 2136433 (VCV002136433.3), dbSNP rs200164885, ClinGen allele CA3877235.
Genomic context (GRCh38, chr6:64,886,766, plus strand): 5'-CAGGGGCACAGAGGCAGTTGTATCCATCAGTCCTGTAGACACAATTTTCTTCATCTAGAC[A>G]AGGTGAGATTTTACATTTATTTACATCAAGTTCACAGAAGGGCCCATGGTACTCAGGTTC-3'
Protein context (NP_001136272.1, residues 965-985): LDVNKCKISP[Cys975Arg]LDEENCVYRT

ClinVar aggregate classification (germline): Uncertain significance. Review status: criteria provided, multiple submitters, no conflicts (2 of 4 stars). 3 submissions from 3 submitters: Uncertain significance (3). Last evaluated 2023-10-01.

Conditions:
Retinal dystrophy. Also called: Inherited retinal dystrophy. Identifiers: Orphanet 71862, MedGen C0854723, MeSH D058499, MONDO:0019118, HP:0000556.

Allele frequency attached by ClinVar (database versions not stated): ExAC 0.00005.
gnomAD v4.1: 35 of 1,547,150 alleles (0.0023%); highest among the groups gnomAD compares: Non-Finnish European, 0.0028%; no homozygotes.

Submissions (3):

Dept Of Ophthalmology, Nagoya University
Classification: Uncertain significance for Retinal dystrophy. Last evaluated: 2023-10-01. Review status: criteria provided, single submitter. Criteria: Submitter's publication. Collection method: research. Allele origin: germline. Affected: yes.

Blueprint Genetics
Classification: Uncertain significance. Last evaluated: 2022-04-20. Review status: criteria provided, single submitter. Criteria: ACMG Guidelines, 2015. Collection method: clinical testing. Allele origin: germline.

Labcorp Genetics (formerly Invitae), Labcorp
Classification: Uncertain significance. Last evaluated: 2021-12-20. Review status: criteria provided, single submitter. Criteria: Invitae Variant Classification Sherloc (09022015). Collection method: clinical testing. Allele origin: germline.
Comment: This sequence change replaces cysteine, which is neutral and slightly polar, with arginine, which is basic and polar, at codon 975 of the EYS protein (p.Cys975Arg). This variant is present in population databases (rs200164885, gnomAD 0.01%). This missense change has been observed in individual(s) with retinitis pigmentosa (PMID: 22363543). Algorithms developed to predict the effect of missense changes on protein structure and function (SIFT, PolyPhen-2, Align-GVGD) all suggest that this variant is likely to be disruptive. In summary, the available evidence is currently insufficient to determine the role of this variant in disease. Therefore, it has been classified as a Variant of Uncertain Significance.

Literature cited by the submitters: PubMed 22363543 (cited by Labcorp Genetics (formerly Invitae), Labcorp).